The following is an entry in ClinVar:

NM_021012.5(KCNJ12):c.297C>T (p.Gly99=)

Gene: KCNJ12 (potassium inwardly rectifying channel subfamily J member 12; plus strand). Cytogenetic location: 17p11.2.
Variant type: single nucleotide variant.
Coding change: c.297C>T on transcript NM_021012.5 (MANE Select); coding-DNA position 297, C replaced by T.
Protein change: p.Gly99=; no amino-acid change (glycine 99 retained).
Molecular consequence: synonymous variant.
Genome position (GRCh38, 1-based): chr17:21,415,639, C>T. VCF-style: chr17-21415639-C-T. GRCh37 (hg19) VCF-style: chr17-21318951-C-T.
Identifiers: ClinVar variation 3058989 (VCV003058989.2), dbSNP rs75757803, ClinGen allele CA8451066.

ClinVar aggregate classification (germline): Benign (0 of 4 stars; one submission).

Conditions:
KCNJ12-related disorder. Also called: KCNJ12-related condition.

Allele frequency attached by ClinVar (database versions not stated): 1000 Genomes Project 0.00499; ExAC 0.46991.

Submission:

PreventionGenetics, part of Exact Sciences
Classification: Benign for KCNJ12-related condition. Last evaluated: 2019-10-17. Review status: no assertion criteria provided. Collection method: clinical testing. Allele origin: germline.
Comment: This variant is classified as benign based on ACMG/AMP sequence variant interpretation guidelines (Richards et al. 2015 PMID: 25741868, with internal and published modifications).